The following is an entry in ClinVar:

ClinVar aggregate classification (germline): Uncertain significance (1 of 4 stars; one submission).

Conditions:
T-cell immunodeficiency, congenital alopecia, and nail dystrophy. Also called: Congenital alopecia and nail dystrophy associated with severe functional T-cell immunodeficiency; Pignata Guarino syndrome. Identifiers: Orphanet 169095, MedGen C1866426, MONDO:0011132, OMIM 601705.

Submission:

Labcorp Genetics (formerly Invitae), Labcorp
Classification: Uncertain significance for T-cell immunodeficiency, congenital alopecia, and nail dystrophy. Last evaluated: 2018-11-14. Review status: criteria provided, single submitter. Criteria: Invitae Variant Classification Sherloc (09022015). Collection method: clinical testing. Allele origin: germline.
Comment: Algorithms developed to predict the effect of missense changes on protein structure and function (SIFT, PolyPhen-2, Align-GVGD) all suggest that this variant is likely to be disruptive, but these predictions have not been confirmed by published functional studies and their clinical significance is uncertain. In summary, the available evidence is currently insufficient to determine the role of this variant in disease. Therefore, it has been classified as a Variant of Uncertain Significance. This variant has not been reported in the literature in individuals with FOXN1-related disease. This sequence change replaces serine with threonine at codon 324 of the FOXN1 protein (p.Ser324Thr). The serine residue is highly conserved and there is a small physicochemical difference between serine and threonine. This variant is not present in population databases (ExAC no frequency).

NM_001369369.1(FOXN1):c.970T>A (p.Ser324Thr)

Gene: FOXN1 (forkhead box N1; plus strand). Cytogenetic location: 17q11.2.
Variant type: single nucleotide variant.
Coding change: c.970T>A on transcript NM_001369369.1 (MANE Select); coding-DNA position 970, T replaced by A.
Protein change: p.Ser324Thr; replaces serine 324 with threonine.
Molecular consequence: missense variant.
Genome position (GRCh38, 1-based): chr17:28,534,373, T>A. VCF-style: chr17-28534373-T-A. GRCh37 (hg19) VCF-style: chr17-26861391-T-A.
Other names: c.970T>A, p.Ser324Thr (NM_003593.3); short protein forms S324T.
Identifiers: ClinVar variation 644030 (VCV000644030.6), dbSNP rs1597566452, ClinGen allele CA398324508.
Genomic context (GRCh38, chr17:28,534,373, plus strand): 5'-CTTGCTCTGTTCCGGCAGACAGCACCCGATGGCTGGAAGAATTCTGTCCGGCACAACCTA[T>A]CCCTCAACAAGTGCTTCGAGAAGGTGGAGAACAAATCAGGAAGTTCCTCCCGCAAGGGCT-3'
Protein context (NP_001356298.1, residues 314-334): GWKNSVRHNL[Ser324Thr]LNKCFEKVEN